The following is an entry in ClinVar:

ClinVar aggregate classification (germline): Uncertain significance (1 of 4 stars; one submission).

Conditions:
Long QT syndrome (LQTS). Identifiers: MedGen C0023976, MeSH D008133, MONDO:0002442. Disease mechanism: loss of function. Inheritance: Various modes of inheritance.

gnomAD v4.1: 4 of 1,458,078 alleles (0.00027%); highest among the groups gnomAD compares: Non-Finnish European, 0.00036%; no homozygotes.

Submission:

Labcorp Genetics (formerly Invitae), Labcorp
Classification: Uncertain significance for Long QT syndrome. Last evaluated: 2023-08-01. Review status: criteria provided, single submitter. Criteria: Invitae Variant Classification Sherloc (09022015). Collection method: clinical testing. Allele origin: germline.
Comment: In summary, the available evidence is currently insufficient to determine the role of this variant in disease. Therefore, it has been classified as a Variant of Uncertain Significance. An algorithm developed to predict the effect of missense changes on protein structure and function (PolyPhen-2) suggests that this variant is likely to be tolerated. This variant has not been reported in the literature in individuals affected with KCNH2-related conditions. This variant is not present in population databases (gnomAD no frequency). This sequence change replaces arginine, which is basic and polar, with proline, which is neutral and non-polar, at codon 181 of the KCNH2 protein (p.Arg181Pro).

NM_000238.4(KCNH2):c.542G>C (p.Arg181Pro)

Gene: KCNH2 (potassium voltage-gated channel subfamily H member 2; minus strand). Cytogenetic location: 7q36.1.
Variant type: single nucleotide variant.
Coding change: c.542G>C on transcript NM_000238.4 (MANE Select); coding-DNA position 542, G replaced by C.
Protein change: p.Arg181Pro; replaces arginine 181 with proline.
Molecular consequence: missense variant. On other transcripts: non-coding transcript variant (1).
Genome position (GRCh38, 1-based): chr7:150,958,433, C>G on the plus strand (G>C on the coding strand, the complement: KCNH2 is on the minus strand). VCF-style: chr7-150958433-C-G. GRCh37 (hg19) VCF-style: chr7-150655521-C-G.
Other names: c.254G>C, p.Arg85Pro (NM_001406753.1, NM_001406756.1); c.365G>C, p.Arg122Pro (NM_001406755.1); c.242G>C, p.Arg81Pro (NM_001406757.1); c.542G>C, p.Arg181Pro (NM_172056.3); short protein forms R122P, R81P, R181P, R85P.
Identifiers: ClinVar variation 2867090 (VCV002867090.3), dbSNP rs41308954, ClinGen allele CA369863372.
Genomic context (GRCh38, chr7:150,958,433, plus strand): 5'-GTCAGGTCCACGTCCACCACCACGGCCCCCGGGGCGCCCGCGCCGCCCGCGCCGCCCGAC[C>G]GCACCGACGACTCCCGGGCCGTCAGCGCCAGCAGCGCGGGCAGCTTCAGGCGGAAGGTCT-3'
Protein context (NP_000229.1, residues 171-191): LALTARESSV[Arg181Pro]SGGAGGAGAP